The following is an entry in ClinVar:

NM_014797.3(ZBTB24):c.825_844del (p.His276fs)

Gene: ZBTB24 (zinc finger and BTB domain containing 24; minus strand). Cytogenetic location: 6q21.
Variant type: Deletion.
Coding change: c.825_844del on transcript NM_014797.3 (MANE Select); coding-DNA positions 825 to 844, 20 bases deleted (CCATGGTTCAGCCAAGAGGA).
Protein change: p.His276fs; shifts the reading frame from histidine 276.
Molecular consequence: frameshift variant.
Genome position (GRCh38, 1-based): chr6:109,481,183-109,481,202, TCCTCTTGGCTGAACCATGG deleted on the plus strand (CCATGGTTCAGCCAAGAGGA on the coding strand, the reverse complement: ZBTB24 is on the minus strand); deleting any 20 consecutive bases within chr6:109,481,183-109,481,210 gives the same sequence; the c. name uses the placement nearest the transcript's 3' end. VCF-style (leftmost placement, unchanged base first): chr6-109481182-ATCCTCTTGGCTGAACCATGG-A. GRCh37 (hg19) VCF-style: chr6-109802385-ATCCTCTTGGCTGAACCATGG-A.
Other names: c.825_844del, p.His276fs (NM_001164313.2); short protein forms H276fs.
Identifiers: ClinVar variation 2870778 (VCV002870778.3), dbSNP rs2482880948, ClinGen allele CA2739265930.

ClinVar aggregate classification (germline): Pathogenic (1 of 4 stars; one submission).

Conditions:
Immunodeficiency-centromeric instability-facial anomalies syndrome 2 (ICF2). Identifiers: Orphanet 2268, MedGen C3279748, MONDO:0013553, OMIM 614069.

Submission:

Labcorp Genetics (formerly Invitae), Labcorp
Classification: Pathogenic for Immunodeficiency-centromeric instability-facial anomalies syndrome 2. Last evaluated: 2023-01-20. Review status: criteria provided, single submitter. Criteria: Invitae Variant Classification Sherloc (09022015). Collection method: clinical testing. Allele origin: germline.
Comment: For these reasons, this variant has been classified as Pathogenic. This variant has not been reported in the literature in individuals affected with ZBTB24-related conditions. This variant is not present in population databases (gnomAD no frequency). This sequence change creates a premature translational stop signal (p.His276Leufs*11) in the ZBTB24 gene. It is expected to result in an absent or disrupted protein product. Loss-of-function variants in ZBTB24 are known to be pathogenic (PMID: 21596365).

Literature cited by the submitters: PubMed 21596365.